The following is an entry in ClinVar:

ClinVar aggregate classification (germline): Uncertain significance (1 of 4 stars; one submission).

Submission:

CeGaT Center for Human Genetics Tuebingen
Classification: Uncertain significance. Last evaluated: 2024-09-01. Review status: criteria provided, single submitter. Criteria: CeGaT Center For Human Genetics Tuebingen Variant Classification Criteria Version 2. Collection method: clinical testing. Allele origin: germline. Affected: yes. Observed: 1 variant allele.
Comment: PHIP: PM2, PP3

NM_017934.7(PHIP):c.600+5_600+8del

Gene: PHIP (PHIP subunit of CUL4-Ring ligase complex; minus strand). Cytogenetic location: 6q14.1.
Variant type: Microsatellite.
Coding change: c.600+5_600+8del on transcript NM_017934.7 (MANE Select); bases 5 to 8 of the intron after coding-DNA position 600, 4 bases deleted (GTAA; older notation c.600+5_600+8delGTAA).
Molecular consequence: splice donor variant.
Genome position (GRCh38, 1-based): chr6:79,042,835-79,042,838, TTAC deleted on the plus strand (GTAA on the coding strand, the reverse complement: PHIP is on the minus strand); deleting any 4 consecutive bases within chr6:79,042,835-79,042,842 gives the same sequence; the c. name uses the placement nearest the transcript's 3' end. VCF-style (leftmost placement, unchanged base first): chr6-79042834-ATTAC-A. GRCh37 (hg19) VCF-style: chr6-79752551-ATTAC-A.
Identifiers: ClinVar variation 3389411 (VCV003389411.14).
Genomic context (GRCh38, chr6:79,042,834, plus strand): 5'-AGTTCACCTATAAGCAATATTTCCTCAATTACATATATGAATATAAATAATACTTTAGCA[ATTAC>A]TTACAGTAAATATCCGTCTGCCAGTTCGATCAAAAGTTACACAGTACACAGATGACAAGT-3'